The following is an entry in ClinVar:

NM_004415.4(DSP):c.1504G>A (p.Asp502Asn)

Gene: DSP (desmoplakin; plus strand). Cytogenetic location: 6p24.3.
Variant type: single nucleotide variant.
Coding change: c.1504G>A on transcript NM_004415.4 (MANE Select); coding-DNA position 1504, G replaced by A.
Protein change: p.Asp502Asn; replaces aspartic acid 502 with asparagine.
Molecular consequence: missense variant.
Genome position (GRCh38, 1-based): chr6:7,569,270, G>A. VCF-style: chr6-7569270-G-A. GRCh37 (hg19) VCF-style: chr6-7569503-G-A.
Other names: c.1504G>A, p.Asp502Asn (NM_001008844.3, NM_001319034.2); short protein forms D502N.
Identifiers: ClinVar variation 923624 (VCV000923624.14), dbSNP rs750547425, ClinGen allele CA028540.

ClinVar aggregate classification (germline): Uncertain significance. Review status: criteria provided, multiple submitters, no conflicts (2 of 4 stars). 4 submissions from 4 submitters: Uncertain significance (4). Last evaluated 2024-03-06.

Conditions:
Cardiovascular phenotype. Identifiers: MedGen CN230736.
Cardiomyopathy (CMYO). Also called: Cardiomyopathies. Identifiers: Orphanet 167848, MedGen C0878544, MONDO:0004994, HP:0001638. Inheritance: Various modes of inheritance.
Arrhythmogenic cardiomyopathy with wooly hair and keratoderma. Also called: Carvajal syndrome; PALMOPLANTAR KERATODERMA WITH LEFT VENTRICULAR CARDIOMYOPATHY AND WOOLLY HAIR; Dilated cardiomyopathy with woolly hair and keratoderma; Arrhythmogenic cardiomyopathy with woolly hair and keratoderma. Identifiers: Orphanet 65282, MedGen C1854063, MONDO:0011581, OMIM 605676.
Arrhythmogenic right ventricular dysplasia 8 (ARVD8). Also called: Arrhythmogenic Right Ventricular Dysplasia/Cardiomyopathy 8; ARRHYTHMOGENIC RIGHT VENTRICULAR DYSPLASIA, FAMILIAL, 8; ARRHYTHMOGENIC RIGHT VENTRICULAR CARDIOMYOPATHY 8. Identifiers: MedGen C1843896, MONDO:0011831, OMIM 607450.

Allele frequency attached by ClinVar (database versions not stated): gnomAD exomes below 0.00001; ExAC 0.00001.
gnomAD v4.1: 2 of 1,614,204 alleles (0.00012%); highest among the groups gnomAD compares: Middle Eastern, 0.016%; no homozygotes.

Submissions (4):

Color Diagnostics, LLC DBA Color Health
Classification: Uncertain significance for Cardiomyopathy. Last evaluated: 2024-03-06. Review status: criteria provided, single submitter. Criteria: ACMG Guidelines, 2015. Collection method: clinical testing. Allele origin: germline.
Comment: This missense variant replaces aspartic acid with asparagine at codon 502 of the DSP protein. Computational prediction suggests that this variant may not impact protein structure and function (internally defined REVEL score threshold <= 0.5, PMID: 27666373). Splice site prediction tools suggest that this variant may not impact RNA splicing. To our knowledge, functional studies have not been reported for this variant. This variant has not been reported in individuals affected with cardiovascular disorders in the literature. This variant has been identified in 1/251460 chromosomes in the general population by the Genome Aggregation Database (gnomAD). The available evidence is insufficient to determine the role of this variant in disease conclusively. Therefore, this variant is classified as a Variant of Uncertain Significance.

Ambry Genetics
Classification: Uncertain significance for Cardiovascular phenotype. Last evaluated: 2023-11-04. Review status: criteria provided, single submitter. Criteria: Ambry Variant Classification Scheme 2023. Collection method: clinical testing. Allele origin: germline.
Comment: The p.D502N variant (also known as c.1504G>A), located in coding exon 12 of the DSP gene, results from a G to A substitution at nucleotide position 1504. The aspartic acid at codon 502 is replaced by asparagine, an amino acid with highly similar properties. This amino acid position is conserved. In addition, this alteration is predicted to be tolerated by in silico analysis. Since supporting evidence is limited at this time, the clinical significance of this alteration remains unclear.

Blueprint Genetics
Classification: Uncertain significance. Last evaluated: 2022-10-26. Review status: criteria provided, single submitter. Criteria: ACMG Guidelines, 2015. Collection method: clinical testing. Allele origin: germline.

Labcorp Genetics (formerly Invitae), Labcorp
Classification: Uncertain significance for Arrhythmogenic cardiomyopathy with wooly hair and keratoderma; Arrhythmogenic right ventricular dysplasia 8. Last evaluated: 2021-02-11. Review status: criteria provided, single submitter. Criteria: Invitae Variant Classification Sherloc (09022015). Collection method: clinical testing. Allele origin: germline.
Comment: This variant has not been reported in the literature in individuals with DSP-related conditions. ClinVar contains an entry for this variant (Variation ID: 923624). Algorithms developed to predict the effect of missense changes on protein structure and function are either unavailable or do not agree on the potential impact of this missense change (SIFT: "Deleterious"; PolyPhen-2: "Probably Damaging"; Align-GVGD: "Class C15"). In summary, the available evidence is currently insufficient to determine the role of this variant in disease. Therefore, it has been classified as a Variant of Uncertain Significance. This variant is present in population databases (rs750547425, ExAC 0.001%). This sequence change replaces aspartic acid with asparagine at codon 502 of the DSP protein (p.Asp502Asn). The aspartic acid residue is highly conserved and there is a small physicochemical difference between aspartic acid and asparagine.